The following is an entry in ClinVar:

NM_001698.3(AUH):c.862G>A (p.Val288Met)

Gene: AUH (AU RNA binding methylglutaconyl-CoA hydratase; minus strand). Cytogenetic location: 9q22.31.
Variant type: single nucleotide variant.
Coding change: c.862G>A on transcript NM_001698.3 (MANE Select); coding-DNA position 862, G replaced by A.
Protein change: p.Val288Met; replaces valine 288 with methionine.
Molecular consequence: missense variant.
Genome position (GRCh38, 1-based): chr9:91,217,309, C>T on the plus strand (G>A on the coding strand, the complement: AUH is on the minus strand). VCF-style: chr9-91217309-C-T. GRCh37 (hg19) VCF-style: chr9-93979591-C-T.
Other names: c.775G>A, p.Val259Met (NM_001306190.2); c.535G>A, p.Val179Met (NM_001351431.2, NM_001351432.2, NM_001351433.2); short protein forms V179M, V259M, V288M.
Identifiers: ClinVar variation 3359633 (VCV003359633.1).

ClinVar aggregate classification (germline): Uncertain significance (1 of 4 stars; one submission).

Submission:

GeneDx
Classification: Uncertain significance. Last evaluated: 2023-06-13. Review status: criteria provided, single submitter. Criteria: GeneDx Variant Classification Process June 2021. Collection method: clinical testing. Allele origin: germline. Affected: yes.
Comment: Not observed at significant frequency in large population cohorts (gnomAD); In silico analysis supports that this missense variant does not alter protein structure/function; Has not been previously published as pathogenic or benign to our knowledge